The following is an entry in ClinVar:

ClinVar aggregate classification (germline): Conflicting classifications of pathogenicity. Review status: criteria provided, conflicting classifications (1 of 4 stars). 2 submissions from 2 submitters: Likely pathogenic (1); Uncertain significance (1). Last evaluated 2026-03-23.

Conditions:
Moderate NDD.
Lymphatic malformation 9. Identifiers: MedGen C5543365, MONDO:0030270, OMIM 619319.

gnomAD v4.1: 340 of 1,610,084 alleles (0.021%); highest among the groups gnomAD compares: Non-Finnish European, 0.028%; no homozygotes.

Submissions (2):

Clinical Genomics Laboratory, Washington University in St. Louis
Classification: Uncertain significance for Lymphatic malformation 9. Last evaluated: 2026-03-23. Review status: criteria provided, single submitter. Criteria: ACMG Guidelines, 2015. Collection method: clinical testing. Allele origin: germline.
Comment: A CELSR1 c.2018T>C (p.Val673Ala) variant was identified at a near heterozygous allelic fraction of 46.8%, a frequency which may be consistent with it being of germline origin. The CELSR1 c.2018T>C (p.Val673Ala) variant, to our knowledge, has not been reported in the medical literature but has been reported in the ClinVar database as a germline likely pathogenic variant in an individual with neurodevelopmental delay by one submitter (ClinVar ID: 4073568). This variant is observed in 340/1,610,084 alleles in the general population (gnomAD v4.1.0). Computational predictors are uncertain as to the impact of this variant on CELSR1 function. Due to limited information, and based on ACMG/AMP guidelines for variant interpretation (Richards S et al., PMID: 25741868), the clinical significance of this variant is uncertain at this time.

Genetics and Personalized Medicine, Danish Epilepsy Center
Classification: Likely pathogenic for Moderate NDD. Last evaluated: 2025-07-03. Review status: criteria provided, single submitter. Criteria: ACMG Guidelines, 2015. Collection method: clinical testing. Allele origin: maternal. Inheritance: Autosomal recessive inheritance. Affected: yes. Observed: 1 compound heterozygote.
Comment: PM1, PM2, PP3, PP4

NM_001378328.1(CELSR1):c.2018T>C (p.Val673Ala)

Gene: CELSR1 (cadherin EGF LAG seven-pass G-type receptor 1; minus strand). Cytogenetic location: 22q13.31.
Variant type: single nucleotide variant.
Coding change: c.2018T>C on transcript NM_001378328.1 (MANE Select); coding-DNA position 2018, T replaced by C.
Protein change: p.Val673Ala; replaces valine 673 with alanine.
Molecular consequence: missense variant.
Genome position (GRCh38, 1-based): chr22:46,535,153, A>G on the plus strand (T>C on the coding strand, the complement: CELSR1 is on the minus strand). VCF-style: chr22-46535153-A-G. GRCh37 (hg19) VCF-style: chr22-46931050-A-G.
Other names: c.2018T>C, p.Val673Ala (NM_014246.4); short protein forms V673A.
Identifiers: ClinVar variation 4073568 (VCV004073568.2).